The following is an entry in ClinVar:

NM_001040716.2(PC):c.843C>T (p.Ala281=)

Gene: PC (pyruvate carboxylase; minus strand). Cytogenetic location: 11q13.2.
Variant type: single nucleotide variant.
Coding change: c.843C>T on transcript NM_001040716.2 (MANE Select); coding-DNA position 843, C replaced by T.
Protein change: p.Ala281=; no amino-acid change (alanine 281 retained).
Molecular consequence: synonymous variant.
Genome position (GRCh38, 1-based): chr11:66,870,362, G>A on the plus strand (C>T on the coding strand, the complement: PC is on the minus strand). VCF-style: chr11-66870362-G-A. GRCh37 (hg19) VCF-style: chr11-66637833-G-A.
Other names: c.843C>T, p.Ala281= (NM_000920.4, NM_022172.3); c.843C>T (NM_001040716.1).
Identifiers: ClinVar variation 716971 (VCV000716971.14), dbSNP rs150040684, ClinGen allele CA6132091.

ClinVar aggregate classification (germline): Likely benign. Review status: criteria provided, multiple submitters, no conflicts (2 of 4 stars). 3 submissions from 3 submitters: Likely benign (2). 1 of the submissions does not count toward it. Last evaluated 2026-01-16.

Conditions:
PC-related disorder. Also called: PC-related condition.
Pyruvate carboxylase deficiency. Also called: ATAXIA WITH LACTIC ACIDOSIS II; LEIGH NECROTIZING ENCEPHALOPATHY DUE TO PYRUVATE CARBOXYLASE DEFICIENCY; LEIGH SYNDROME DUE TO PYRUVATE CARBOXYLASE DEFICIENCY; PC DEFICIENCY; Pyruvate Carboxylase Deficiency Disease. Identifiers: Orphanet 3008, MedGen C0034341, MONDO:0009949, OMIM 266150.

Allele frequency attached by ClinVar (database versions not stated): ExAC 0.00007; gnomAD exomes 0.00007; gnomAD 0.00012 and 0.00013; TOPMed 0.00018; ESP Exome Variant Server 0.00038.
gnomAD v4.1: 128 of 1,613,552 alleles (0.0079%); highest among the groups gnomAD compares: Middle Eastern, 0.033%; no homozygotes.

Submissions (3):

Labcorp Genetics (formerly Invitae), Labcorp
Classification: Likely benign for Pyruvate carboxylase deficiency. Last evaluated: 2026-01-16. Review status: criteria provided, single submitter. Criteria: Invitae Variant Classification Sherloc (09022015). Collection method: clinical testing. Allele origin: germline.

GeneDx
Classification: Likely benign. Last evaluated: 2021-02-23. Review status: criteria provided, single submitter. Criteria: GeneDx Variant Classification Process June 2021. Collection method: clinical testing. Allele origin: germline. Affected: yes.

PreventionGenetics, part of Exact Sciences
Classification: Likely benign for PC-related condition. Last evaluated: 2019-09-05. Review status: no assertion criteria provided. Collection method: clinical testing. Allele origin: germline. Not counted in ClinVar's aggregate classification.
Comment: This variant is classified as likely benign based on ACMG/AMP sequence variant interpretation guidelines (Richards et al. 2015 PMID: 25741868, with internal and published modifications).